The following is an entry in ClinVar:

ClinVar aggregate classification (germline): Pathogenic (1 of 4 stars; one submission).

Conditions:
Charcot-Marie-Tooth Neuropathy X. Identifiers: MedGen CN118851.

Submission:

Labcorp Genetics (formerly Invitae), Labcorp
Classification: Pathogenic for Charcot-Marie-Tooth Neuropathy X. Last evaluated: 2020-02-15. Review status: criteria provided, single submitter. Criteria: Invitae Variant Classification Sherloc (09022015). Collection method: clinical testing. Allele origin: germline.
Comment: This sequence change replaces glycine with aspartic acid at codon 12 of the GJB1 protein (p.Gly12Asp). The glycine residue is highly conserved and there is a moderate physicochemical difference between glycine and aspartic acid. This variant is not present in population databases (ExAC no frequency). Algorithms developed to predict the effect of missense changes on protein structure and function are either unavailable or do not agree on the potential impact of this missense change (SIFT: "Deleterious"; PolyPhen-2: "Probably Damaging"; Align-GVGD: "Class C0"). This variant disrupts the p.Gly12 amino acid residue in GJB1. Other variant(s) that disrupt this residue have been observed in affected individuals (PMID: 8266101, 9354338, 9364054), suggesting that it is a clinically significant residue. As a result, variants that disrupt this residue are likely to be causative of disease. For these reasons, this variant has been classified as Pathogenic.

Literature cited by the submitters: PubMed 8266101; PubMed 9354338; PubMed 9364054.

NM_000166.6(GJB1):c.35G>A (p.Gly12Asp)

Gene: GJB1 (gap junction protein beta 1; plus strand). Cytogenetic location: Xq13.1.
Variant type: single nucleotide variant.
Coding change: c.35G>A on transcript NM_000166.6 (MANE Select); coding-DNA position 35, G replaced by A.
Protein change: p.Gly12Asp; replaces glycine 12 with aspartic acid.
Molecular consequence: missense variant.
Genome position (GRCh38, 1-based): chrX:71,223,742, G>A. VCF-style: chrX-71223742-G-A. GRCh37 (hg19) VCF-style: chrX-70443592-G-A.
Other names: c.35G>A, p.Gly12Asp (NM_001097642.3); short protein forms G12D.
Identifiers: ClinVar variation 565953 (VCV000565953.9), dbSNP rs1569214985, ClinGen allele CA413499465.